The following is an entry in ClinVar:

ClinVar aggregate classification (germline): Pathogenic (1 of 4 stars; one submission).

Conditions:
Myasthenic syndrome, congenital, 22 (CMS22). Also called: PREPL DEFICIENCY. Identifiers: MedGen C4479088, MONDO:0044299, OMIM 616224.

Submission:

Labcorp Genetics (formerly Invitae), Labcorp
Classification: Pathogenic for Myasthenic syndrome, congenital, 22. Last evaluated: 2025-12-02. Review status: criteria provided, single submitter. Criteria: Invitae Variant Classification Sherloc (09022015). Collection method: clinical testing. Allele origin: germline.
Comment: This sequence change creates a premature translational stop signal (p.Tyr420*) in the PREPL gene. It is expected to result in an absent or disrupted protein product. Loss-of-function variants in PREPL are known to be pathogenic (PMID: 24610330, 28726805, 29913539). This variant is not present in population databases (gnomAD no frequency). This variant has not been reported in the literature in individuals affected with PREPL-related conditions. For these reasons, this variant has been classified as Pathogenic.

Literature cited by the submitters: PubMed 24610330; PubMed 28726805; PubMed 29913539.

NM_001171613.2(PREPL):c.993C>G (p.Tyr331Ter)

Gene: PREPL (prolyl endopeptidase like; minus strand). Cytogenetic location: 2p21.
Variant type: single nucleotide variant.
Coding change: c.993C>G on transcript NM_001171613.2 (MANE Select); coding-DNA position 993, C replaced by G.
Protein change: p.Tyr331Ter; replaces tyrosine 331 with a stop codon.
Molecular consequence: nonsense. On other transcripts: intron variant (1).
Genome position (GRCh38, 1-based): chr2:44,332,552, G>C on the plus strand (C>G on the coding strand, the complement: PREPL is on the minus strand). VCF-style: chr2-44332552-G-C. GRCh37 (hg19) VCF-style: chr2-44559691-G-C.
Other names: c.1074C>G, p.Tyr358Ter (NM_001042385.2); c.1260C>G, p.Tyr420Ter (NM_001171603.1, NM_001171606.2, NM_001374275.1 and 2 more transcripts); c.993C>G, p.Tyr331Ter (NM_001171617.1, NM_001374277.1); c.1156-3440C>G (NM_001042386.2); short protein forms Y331*, Y358*, Y420*.
Identifiers: ClinVar variation 4803657 (VCV004803657.1).